The following is an entry in ClinVar:

NM_003072.5(SMARCA4):c.3850G>T (p.Asp1284Tyr)

Gene: SMARCA4 (SWI/SNF related BAF chromatin remodeling complex subunit ATPase 4; plus strand). Cytogenetic location: 19p13.2.
Variant type: single nucleotide variant.
Coding change: c.3850G>T on transcript NM_003072.5 (MANE Select); coding-DNA position 3850, G replaced by T.
Protein change: p.Asp1284Tyr; replaces aspartic acid 1284 with tyrosine.
Molecular consequence: missense variant. On other transcripts: intron variant (5).
Genome position (GRCh38, 1-based): chr19:11,033,842, G>T. VCF-style: chr19-11033842-G-T. GRCh37 (hg19) VCF-style: chr19-11144518-G-T.
Other names: c.3850G>T, p.Asp1284Tyr (NM_001128844.3, NM_001128849.3, NM_001387283.1); c.3775-281G>T (NM_001128847.4, NM_001374457.1, NM_001128845.2 and 2 more transcripts); short protein forms D1284Y.
Identifiers: ClinVar variation 1735524 (VCV001735524.2), dbSNP rs765989895, ClinGen allele CA404066763.

ClinVar aggregate classification (germline): Uncertain significance (1 of 4 stars; one submission).

Conditions:
Hereditary cancer-predisposing syndrome. Also called: Neoplastic Syndromes, Hereditary; Tumor predisposition; Hereditary Cancer Syndrome; Hereditary neoplastic syndrome. Identifiers: Orphanet 140162, MedGen C0027672, MeSH D009386, MONDO:0015356.

Submission:

Ambry Genetics
Classification: Uncertain significance for Hereditary cancer-predisposing syndrome. Last evaluated: 2022-03-25. Review status: criteria provided, single submitter. Criteria: Ambry Variant Classification Scheme 2023. Collection method: clinical testing. Allele origin: germline.
Comment: The p.D1284Y variant (also known as c.3850G>T), located in coding exon 26 of the SMARCA4 gene, results from a G to T substitution at nucleotide position 3850. The aspartic acid at codon 1284 is replaced by tyrosine, an amino acid with highly dissimilar properties. This amino acid position is highly conserved in available vertebrate species. In addition, the in silico prediction for this alteration is inconclusive. Missense and in-frame variants in SMARCA4 are known to cause neurodevelopmental disorders; however, such associations with rhabdoid tumor predisposition syndrome including small cell carcinoma of the ovary-hypercalcemic type (SCCOHT) are exceedingly rare (Kosho T et al. Am J Med Genet C Semin Med Genet. 2014 Sep;166C(3):262-75; Jelinic P et al. Nat Genet. 2014 May;46(5):424-6). Since supporting evidence is limited at this time, the clinical significance of this alteration remains unclear.